The following is an entry in ClinVar:

NM_015046.7(SETX):c.7709C>T (p.Pro2570Leu)

Gene: SETX (senataxin; minus strand). Cytogenetic location: 9q34.13.
Variant type: single nucleotide variant.
Coding change: c.7709C>T on transcript NM_015046.7 (MANE Select); coding-DNA position 7709, C replaced by T.
Protein change: p.Pro2570Leu; replaces proline 2570 with leucine.
Molecular consequence: missense variant.
Genome position (GRCh38, 1-based): chr9:132,264,564, G>A on the plus strand (C>T on the coding strand, the complement: SETX is on the minus strand). VCF-style: chr9-132264564-G-A. GRCh37 (hg19) VCF-style: chr9-135139951-G-A.
Other names: c.7709C>T, p.Pro2570Leu (NM_001351527.2); c.7796C>T, p.Pro2599Leu (NM_001351528.2); short protein forms P2570L, P2599L.
Identifiers: ClinVar variation 3761460 (VCV003761460.4).
Genomic context (GRCh38, chr9:132,264,564, plus strand): 5'-GGCTGCTGTATATGGCTCAGGTCCTGGTGAACGACAGGGAAGCCCGGCTCGCCCGTAGGA[G>A]GTGTTGCTCCAGGATGCTGGGGGCTCGAGGGTTGTGGATCCCAAAGGAATATTCCTCCTT-3'
Protein context (NP_055861.3, residues 2560-2580): PSSPQHPGAT[Pro2570Leu]PTGEPGFPVV

ClinVar aggregate classification (germline): Conflicting classifications of pathogenicity. Review status: criteria provided, conflicting classifications (1 of 4 stars). 3 submissions from 3 submitters: Uncertain significance (2); Likely benign (1). Last evaluated 2026-02-27.

Conditions:
Spinocerebellar ataxia, autosomal recessive, with axonal neuropathy 2 (SCAN2). Also called: ATAXIA-OCULOMOTOR APRAXIA 2; Ataxia with Oculomotor Apraxia Type 2; Ataxia-ocular apraxia-2; Ataxia with Oculomotor Apraxia. Identifiers: Orphanet 64753, MedGen C1853761, MONDO:0018996, OMIM 606002.
Amyotrophic lateral sclerosis type 4 (ALS4). Also called: AMYOTROPHIC LATERAL SCLEROSIS 4, JUVENILE; NEURONOPATHY, DISTAL HEREDITARY MOTOR, WITH PYRAMIDAL FEATURES. Identifiers: Orphanet 357043, MedGen C1865409, MONDO:0011223, OMIM 602433.

gnomAD v4.1: 24 of 1,614,048 alleles (0.0015%); highest among the groups gnomAD compares: Non-Finnish European, 0.0019%; no homozygotes.

Submissions (3):

Women's Health and Genetics/Laboratory Corporation of America, LabCorp
Classification: Uncertain significance. Last evaluated: 2026-02-27. Review status: criteria provided, single submitter. Criteria: LabCorp Variant Classification Summary - May 2015. Collection method: clinical testing. Allele origin: germline.
Comment: Variant summary: SETX c.7709C>T (p.Pro2570Leu) results in a non-conservative amino acid change in the encoded protein sequence. Algorithms developed to predict the effect of missense changes on protein structure and function are either unavailable or do not agree on the potential impact of this missense change. The variant allele was found at a frequency of 4e-06 in 251434 control chromosomes. The available data on variant occurrences in the general population are insufficient to allow any conclusion about variant significance. To our knowledge, no occurrence of c.7709C>T in individuals affected with SETX-related conditions and no experimental evidence demonstrating its impact on protein function have been reported. ClinVar contains an entry for this variant (Variation ID: 3761460). Based on the evidence outlined above, the variant was classified as uncertain significance.

Labcorp Genetics (formerly Invitae), Labcorp
Classification: Likely benign for Amyotrophic lateral sclerosis type 4; Spinocerebellar ataxia, autosomal recessive, with axonal neuropathy 2. Last evaluated: 2025-10-02. Review status: criteria provided, single submitter. Criteria: Invitae Variant Classification Sherloc (09022015). Collection method: clinical testing. Allele origin: germline.

GeneDx
Classification: Uncertain significance. Last evaluated: 2025-06-26. Review status: criteria provided, single submitter. Criteria: GeneDx Variant Classification Process June 2021. Collection method: clinical testing. Allele origin: germline. Affected: yes.
Comment: Not observed at significant frequency in large population cohorts (gnomAD); In silico analysis supports that this missense variant has a deleterious effect on protein structure/function; Has not been previously published as pathogenic or benign to our knowledge